The following is an entry in ClinVar:

ClinVar aggregate classification (germline): Conflicting classifications of pathogenicity. Review status: criteria provided, conflicting classifications (1 of 4 stars). 5 submissions from 5 submitters: Uncertain significance (4); Likely benign (1). Last evaluated 2025-11-17.

Conditions:
Hereditary cancer-predisposing syndrome. Also called: Hereditary neoplastic syndrome; Neoplastic Syndromes, Hereditary; Tumor predisposition; Hereditary Cancer Syndrome. Identifiers: Orphanet 140162, MedGen C0027672, MeSH D009386, MONDO:0015356.
Isolated focal cortical dysplasia type II (FCORD2). Also called: CORTICAL DYSPLASIA OF TAYLOR; Focal cortical dysplasia type II. Identifiers: Orphanet 268994, MedGen C1846385, MONDO:0011818, OMIM 607341, HP:0032051.
Tuberous sclerosis 2 (TSC2). Identifiers: Orphanet 805, MedGen C1860707, MONDO:0013199, OMIM 613254.
Lymphangiomyomatosis (LAM). Also called: Lymphangioleiomyomatosis; Lymphangioleiomyomatosis, somatic. Identifiers: Orphanet 538, MedGen C0751674, MONDO:0011705, OMIM 606690.

Allele frequency attached by ClinVar (database versions not stated): gnomAD exomes below 0.00001; ExAC 0.00001.

Submissions (5):

Labcorp Genetics (formerly Invitae), Labcorp
Classification: Likely benign for Tuberous sclerosis 2. Last evaluated: 2025-11-17. Review status: criteria provided, single submitter. Criteria: Invitae Variant Classification Sherloc (09022015). Collection method: clinical testing. Allele origin: germline.

Ambry Genetics
Classification: Uncertain significance for Hereditary cancer-predisposing syndrome. Last evaluated: 2024-09-20. Review status: criteria provided, single submitter. Criteria: Ambry Variant Classification Scheme 2023. Collection method: clinical testing. Allele origin: germline.
Comment: The p.W167C variant (also known as c.501G>C), located in coding exon 5 of the TSC2 gene, results from a G to C substitution at nucleotide position 501. The tryptophan at codon 167 is replaced by cysteine, an amino acid with highly dissimilar properties. This amino acid position is highly conserved in available vertebrate species. In addition, this alteration is predicted to be deleterious by in silico analysis. Based on the available evidence, the clinical significance of this variant remains unclear.

Baylor Genetics
Classification: Uncertain significance for Isolated focal cortical dysplasia type II. Last evaluated: 2023-09-04. Review status: criteria provided, single submitter. Criteria: ACMG Guidelines, 2015. Collection method: clinical testing. Allele origin: unknown.

Genome-Nilou Lab
Classification: Uncertain significance for Tuberous sclerosis 2. Last evaluated: 2021-11-07. Review status: criteria provided, single submitter. Criteria: ACMG Guidelines, 2015. Collection method: clinical testing. Allele origin: germline. Affected: no.

Fulgent Genetics
Classification: Uncertain significance for Lymphangiomyomatosis; Isolated focal cortical dysplasia type II; Tuberous sclerosis 2. Last evaluated: 2018-10-31. Review status: criteria provided, single submitter. Criteria: ACMG Guidelines, 2015. Collection method: clinical testing. Allele origin: unknown.

NM_000548.5(TSC2):c.501G>C (p.Trp167Cys)

Gene: TSC2 (TSC complex subunit 2; plus strand). Cytogenetic location: 16p13.3.
Variant type: single nucleotide variant.
Coding change: c.501G>C on transcript NM_000548.5 (MANE Select); coding-DNA position 501, G replaced by C.
Protein change: p.Trp167Cys; replaces tryptophan 167 with cysteine.
Molecular consequence: missense variant. On other transcripts: intron variant (1).
Genome position (GRCh38, 1-based): chr16:2,055,421, G>C. VCF-style: chr16-2055421-G-C. GRCh37 (hg19) VCF-style: chr16-2105422-G-C.
Other names: c.501G>C, p.Trp167Cys (NM_001077183.3, NM_001114382.3, NM_001363528.2 and 3 more transcripts); c.390G>C, p.Trp130Cys (NM_001318827.2); c.354G>C, p.Trp118Cys (NM_001318829.2); c.534G>C, p.Trp178Cys (NM_001318832.2); c.-1-775G>C (NM_001318831.2); short protein forms W167C, W118C, W178C, W130C.
Identifiers: ClinVar variation 468130 (VCV000468130.18), dbSNP rs755728007, ClinGen allele CA053524.